The following is an entry in ClinVar:

NM_001278512.2(AP3B2):c.2071_2073del (p.Glu691del)

Genes: AP3B2 (adaptor related protein complex 3 subunit beta 2; minus strand), CPEB1-AS1 (CPEB1 antisense RNA 1; plus strand). Cytogenetic location: 15q25.2.
Variant type: Deletion.
Coding change: c.2071_2073del on transcript NM_001278512.2 (MANE Select); coding-DNA positions 2071 to 2073, 3 bases deleted (GAG; older notation c.2071_2073delGAG).
Protein change: p.Glu691del; deletes glutamic acid 691.
Molecular consequence: inframe deletion.
Genome position (GRCh38, 1-based): chr15:82,664,899-82,664,901, CTC deleted on the plus strand (GAG on the coding strand, the reverse complement: AP3B2 is on the minus strand); deleting any 3 consecutive bases within chr15:82,664,899-82,664,903 gives the same sequence; the c. name uses the placement nearest the transcript's 3' end. VCF-style (leftmost placement, unchanged base first): chr15-82664898-TCTC-T. GRCh37 (hg19) VCF-style: chr15-83333650-TCTC-T.
Other names: c.1918_1920del, p.Glu640del (NM_001278511.2); c.2014_2016del, p.Glu672del (NM_004644.5); short protein forms E640del, E691del, E672del.
Identifiers: ClinVar variation 1495593 (VCV001495593.3), dbSNP rs765815539, ClinGen allele CA7700022.

ClinVar aggregate classification (germline): Uncertain significance (1 of 4 stars; one submission).

Submission:

Labcorp Genetics (formerly Invitae), Labcorp
Classification: Uncertain significance. Last evaluated: 2022-09-01. Review status: criteria provided, single submitter. Criteria: Invitae Variant Classification Sherloc (09022015). Collection method: clinical testing. Allele origin: germline.
Comment: This variant, c.2014_2016del, results in the deletion of 1 amino acid(s) of the AP3B2 protein (p.Glu672del), but otherwise preserves the integrity of the reading frame. This variant is present in population databases (rs765815539, gnomAD 0.02%). This variant has not been reported in the literature in individuals affected with AP3B2-related conditions. ClinVar contains an entry for this variant (Variation ID: 1495593). Experimental studies and prediction algorithms are not available or were not evaluated, and the functional significance of this variant is currently unknown. In summary, the available evidence is currently insufficient to determine the role of this variant in disease. Therefore, it has been classified as a Variant of Uncertain Significance.